The following is an entry in ClinVar:

ClinVar aggregate classification (germline): Pathogenic (1 of 4 stars; one submission).

Conditions:
Hereditary breast ovarian cancer syndrome. Also called: Hereditary breast and ovarian cancer syndrome; Hereditary breast and ovarian cancer; Hereditary breast and ovarian cancer syndrome (HBOC); Breast and ovarian cancer; Hereditary breast and/or ovarian cancer syndrome; BRCA1- and BRCA2-Associated Hereditary Breast and Ovarian Cancer. Identifiers: Orphanet 145, MedGen C0677776, MeSH D061325, MONDO:0003582. Disease mechanism: loss of function.

Submission:

Labcorp Genetics (formerly Invitae), Labcorp
Classification: Pathogenic for Hereditary breast ovarian cancer syndrome. Last evaluated: 2024-01-19. Review status: criteria provided, single submitter. Criteria: Invitae Variant Classification Sherloc (09022015). Collection method: clinical testing. Allele origin: unknown.
Comment: A gross deletion of the genomic region encompassing the full coding sequence of the BRCA1 gene has been identified. Loss-of-function variants in BRCA1 are known to be pathogenic (PMID: 20104584). The boundaries of this event are unknown as they extend beyond the assayed region for this gene and therefore may encompass additional genes. A similar copy number variant has been observed in individual(s) with breast or ovarian cancers (PMID: 16793929, 21281505, 24686251). It has also been observed to segregate with disease in related individuals. For these reasons, this variant has been classified as Pathogenic.

Literature cited by the submitters: PubMed 20104584; PubMed 16793929; PubMed 21281505; PubMed 24686251.

NC_000017.10:g.(?_41197695)_(41277500_?)del

Gene: BRCA1 (BRCA1 DNA repair associated; minus strand). Cytogenetic location: 17q21.31.
Variant type: Deletion.
Identifiers: ClinVar variation 3242978 (VCV003242978.1).